The following is an entry in ClinVar:

NM_133433.4(NIPBL):c.5345G>C (p.Gly1782Ala)

Gene: NIPBL (NIPBL cohesin loading factor; plus strand). Cytogenetic location: 5p13.2.
Variant type: single nucleotide variant.
Coding change: c.5345G>C on transcript NM_133433.4 (MANE Select); coding-DNA position 5345, G replaced by C.
Protein change: p.Gly1782Ala; replaces glycine 1782 with alanine.
Molecular consequence: missense variant.
Genome position (GRCh38, 1-based): chr5:37,022,067, G>C. VCF-style: chr5-37022067-G-C. GRCh37 (hg19) VCF-style: chr5-37022169-G-C.
Other names: c.5345G>C, p.Gly1782Ala (NM_015384.5); short protein forms G1782A.
Identifiers: ClinVar variation 2507223 (VCV002507223.1), dbSNP rs2478336973, ClinGen allele CA359489219.

ClinVar aggregate classification (germline): Uncertain significance (1 of 4 stars; one submission).

Submission:

GeneDx
Classification: Uncertain significance. Last evaluated: 2023-06-27. Review status: criteria provided, single submitter. Criteria: GeneDx Variant Classification Process June 2021. Collection method: clinical testing. Allele origin: germline. Affected: yes.
Comment: Not observed at significant frequency in large population cohorts (gnomAD); In silico analysis supports that this missense variant does not alter protein structure/function; Has not been previously published as pathogenic or benign to our knowledge